The following is an entry in ClinVar:

NM_152618.3(BBS12):c.1303G>T (p.Gly435Cys)

Gene: BBS12 (Bardet-Biedl syndrome 12; plus strand). Cytogenetic location: 4q27.
Variant type: single nucleotide variant.
Coding change: c.1303G>T on transcript NM_152618.3 (MANE Select); coding-DNA position 1303, G replaced by T.
Protein change: p.Gly435Cys; replaces glycine 435 with cysteine.
Molecular consequence: missense variant.
Genome position (GRCh38, 1-based): chr4:122,743,195, G>T. VCF-style: chr4-122743195-G-T. GRCh37 (hg19) VCF-style: chr4-123664350-G-T.
Other names: c.1303G>T, p.Gly435Cys (NM_001178007.2); short protein forms G435C.
Identifiers: ClinVar variation 2070587 (VCV002070587.3), dbSNP rs762853916, ClinGen allele CA358224831.

ClinVar aggregate classification (germline): Uncertain significance. Review status: criteria provided, multiple submitters, no conflicts (2 of 4 stars). 3 submissions from 3 submitters: Uncertain significance (3). Last evaluated 2024-04-24.

Conditions:
Bardet-Biedl syndrome 12 (BBS12). Identifiers: Orphanet 110, MedGen C1859570, MONDO:0014440, OMIM 615989.
Inborn genetic diseases. Identifiers: MedGen C0950123, MeSH D030342.
Bardet-Biedl syndrome (BBS). Identifiers: Orphanet 110, MedGen C0752166, MONDO:0015229.

gnomAD v4.1: 3 of 1,614,166 alleles (0.00019%); highest among the groups gnomAD compares: Admixed American, 0.0033%; no homozygotes.

Submissions (3):

Fulgent Genetics
Classification: Uncertain significance for Bardet-Biedl syndrome 12. Last evaluated: 2024-04-24. Review status: criteria provided, single submitter. Criteria: ACMG Guidelines, 2015. Collection method: clinical testing. Allele origin: germline.

Labcorp Genetics (formerly Invitae), Labcorp
Classification: Uncertain significance for Bardet-Biedl syndrome. Last evaluated: 2022-07-19. Review status: criteria provided, single submitter. Criteria: Invitae Variant Classification Sherloc (09022015). Collection method: clinical testing. Allele origin: germline.
Comment: This sequence change replaces glycine, which is neutral and non-polar, with cysteine, which is neutral and slightly polar, at codon 435 of the BBS12 protein (p.Gly435Cys). This variant is not present in population databases (gnomAD no frequency). This variant has not been reported in the literature in individuals affected with BBS12-related conditions. Algorithms developed to predict the effect of missense changes on protein structure and function are either unavailable or do not agree on the potential impact of this missense change (SIFT: "Deleterious"; PolyPhen-2: "Probably Damaging"; Align-GVGD: "Class C0"). In summary, the available evidence is currently insufficient to determine the role of this variant in disease. Therefore, it has been classified as a Variant of Uncertain Significance.

Ambry Genetics
Classification: Uncertain significance for Inborn genetic diseases. Last evaluated: 2021-12-08. Review status: criteria provided, single submitter. Criteria: Ambry Variant Classification Scheme 2023. Collection method: clinical testing. Allele origin: germline.